The following is an entry in ClinVar:

NM_001379286.1(ZNF423):c.2116G>A (p.Asp706Asn)

Gene: ZNF423 (zinc finger protein 423; minus strand). Cytogenetic location: 16q12.1.
Variant type: single nucleotide variant.
Coding change: c.2116G>A on transcript NM_001379286.1 (MANE Select); coding-DNA position 2116, G replaced by A.
Protein change: p.Asp706Asn; replaces aspartic acid 706 with asparagine.
Molecular consequence: missense variant.
Genome position (GRCh38, 1-based): chr16:49,637,060, C>T on the plus strand (G>A on the coding strand, the complement: ZNF423 is on the minus strand). VCF-style: chr16-49637060-C-T. GRCh37 (hg19) VCF-style: chr16-49670971-C-T.
Other names: c.1912G>A, p.Asp638Asn (NM_001271620.2); c.1741G>A, p.Asp581Asn (NM_001330533.2); c.2092G>A, p.Asp698Asn (NM_015069.5); short protein forms D581N, D698N, D638N, D706N.
Identifiers: ClinVar variation 1935439 (VCV001935439.4), dbSNP rs148732968, ClinGen allele CA8046563.
Genomic context (GRCh38, chr16:49,637,060, plus strand): 5'-CAAAGGTGTGCATGTCCAGCAGGTGCTTCTGCAGGTCATCCACCGAGGAAAATTGCTTGT[C>T]GCAGCTCTCGCACACATAGTGGGTCGACGTGGTCATGTAATGCACTGTCAGGTGCTGCAG-3'
Protein context (NP_001366215.1, residues 696-716): TSTHYVCESC[Asp706Asn]KQFSSVDDLQ

ClinVar aggregate classification (germline): Uncertain significance (1 of 4 stars; one submission).

Conditions:
Nephronophthisis 14 (NPHP14). Identifiers: Orphanet 2318, MedGen C3539071, MONDO:0013916, OMIM 614844.

Allele frequency attached by ClinVar (database versions not stated): ExAC 0.00001; gnomAD exomes 0.00001; TOPMed 0.00001; gnomAD 0.00002; ESP Exome Variant Server 0.00008.
gnomAD v4.1: 14 of 1,613,726 alleles (0.00087%); highest among the groups gnomAD compares: African/African-American, 0.0013%; no homozygotes.

Submission:

Labcorp Genetics (formerly Invitae), Labcorp
Classification: Uncertain significance for Nephronophthisis 14. Last evaluated: 2025-01-06. Review status: criteria provided, single submitter. Criteria: Invitae Variant Classification Sherloc (09022015). Collection method: clinical testing. Allele origin: germline.
Comment: This sequence change replaces aspartic acid, which is acidic and polar, with asparagine, which is neutral and polar, at codon 698 of the ZNF423 protein (p.Asp698Asn). This variant is present in population databases (rs148732968, gnomAD 0.004%). This variant has not been reported in the literature in individuals affected with ZNF423-related conditions. ClinVar contains an entry for this variant (Variation ID: 1935439). Invitae Evidence Modeling of protein sequence and biophysical properties (such as structural, functional, and spatial information, amino acid conservation, physicochemical variation, residue mobility, and thermodynamic stability) indicates that this missense variant is not expected to disrupt ZNF423 protein function with a negative predictive value of 80%. In summary, the available evidence is currently insufficient to determine the role of this variant in disease. Therefore, it has been classified as a Variant of Uncertain Significance.